The following is an entry in ClinVar:

NM_001374385.1(ATP8B1):c.1208C>T (p.Ser403Phe)

Gene: ATP8B1 (ATPase phospholipid transporting 8B1; minus strand). Cytogenetic location: 18q21.31.
Variant type: single nucleotide variant.
Coding change: c.1208C>T on transcript NM_001374385.1 (MANE Select); coding-DNA position 1208, C replaced by T.
Protein change: p.Ser403Phe; replaces serine 403 with phenylalanine.
Molecular consequence: missense variant.
Genome position (GRCh38, 1-based): chr18:57,691,819, G>A on the plus strand (C>T on the coding strand, the complement: ATP8B1 is on the minus strand). VCF-style: chr18-57691819-G-A. GRCh37 (hg19) VCF-style: chr18-55359051-G-A.
Other names: c.1208C>T (NM_005603.4); c.1058C>T, p.Ser353Phe (NM_001374386.1); c.1208C>T, p.Ser403Phe (NM_005603.6); short protein forms S353F, S403F.
Identifiers: ClinVar variation 4846284 (VCV004846284.2).

ClinVar aggregate classification (germline): Uncertain significance/VUS-high. Review status: criteria provided, multiple submitters, no conflicts (2 of 4 stars). 2 submissions from 2 submitters: Uncertain significance (1); VUS-high (1). Last evaluated 2026-08-19.

Conditions:
Progressive familial intrahepatic cholestasis type 1. Also called: BYLER DISEASE; Byler's disease; Severe ATP8B1 Deficiency (Progressive Familial Intrahepatic Cholestasis Type 1 [PFIC1]). Identifiers: Orphanet 79306, MedGen C4551898, MONDO:0008892, OMIM 211600.
Familial intrahepatic cholestasis. Identifiers: Orphanet 284385, MedGen CN296401, MONDO:0017290.

Submissions (2):

Molecular Genetics Laboratory, CHU Lille
Classification: VUS-high for Progressive familial intrahepatic cholestasis type 1. Last evaluated: 2026-08-19. Review status: criteria provided, single submitter. Criteria: ACMG Guidelines, 2015. Collection method: clinical testing. Allele origin: germline. Affected: yes.
Comment: Although this variant is absent from public databases such as gnomAD, current evidence is insufficient to classify it as pathogenic or likely pathogenic.

Genomenon, Inc
Classification: Uncertain significance for Familial intrahepatic cholestasis. Last evaluated: 2026-04-14. Review status: criteria provided, single submitter. Criteria: Genomenon Sequence Variant Interpretation Standards - Updated. Collection method: curation. Allele origin: germline. Affected: yes.
Comment: ATP8B1 p.Ser403Phe (c.1208C>T) is a missense variant that changes the amino acid at residue 403 from Serine to Phenylalanine. This variant has been observed in at least one proband with features of ATP8B1-deficiency (PMID:33899189). It is absent or not present at a significant frequency in gnomAD. In conclusion, we classify ATP8B1 p.Ser403Phe (c.1208C>T) as a variant of uncertain significance.

Literature cited by the submitters: PubMed 33899189 (cited by Genomenon, Inc).